The following is an entry in ClinVar:

NM_000834.5(GRIN2B):c.1126-9C>T

Gene: GRIN2B (glutamate ionotropic receptor NMDA type subunit 2B; minus strand). Cytogenetic location: 12p13.1.
Variant type: single nucleotide variant.
Coding change: c.1126-9C>T on transcript NM_000834.5 (MANE Select); 9 bases into the intron before coding-DNA position 1126, C replaced by T.
Molecular consequence: intron variant.
Genome position (GRCh38, 1-based): chr12:13,616,666, G>A on the plus strand (C>T on the coding strand, the complement: GRIN2B is on the minus strand). VCF-style: chr12-13616666-G-A. GRCh37 (hg19) VCF-style: chr12-13769600-G-A.
Other names: c.1126-9C>T (NM_001413992.1).
Identifiers: ClinVar variation 3032868 (VCV003032868.2), dbSNP rs2497603036, ClinGen allele CA2617752544.
Genomic context (GRCh38, chr12:13,616,666, plus strand): 5'-GGGGCCACACATAGTACTTCATCTGCAGGGACTTGTCTTTCCACTTCCCCACCTGCACAA[G>A]GATGAACACAAGAATCAGAAACCACTGGCCACAACATAACAAACAGCCTGTCCCAGTATT-3'

ClinVar aggregate classification (germline): Likely benign (0 of 4 stars; one submission).

Conditions:
GRIN2B-related disorder. Also called: GRIN2B-related condition.

Allele frequency attached by ClinVar (database versions not stated): gnomAD exomes below 0.00001.
gnomAD v4.1: 1 of 1,606,718 alleles (0.000062%); highest among the groups gnomAD compares: East Asian, 0.0022%; no homozygotes.

Submission:

PreventionGenetics, part of Exact Sciences
Classification: Likely benign for GRIN2B-related condition. Last evaluated: 2020-10-13. Review status: no assertion criteria provided. Collection method: clinical testing. Allele origin: germline.
Comment: This variant is classified as likely benign based on ACMG/AMP sequence variant interpretation guidelines (Richards et al. 2015 PMID: 25741868, with internal and published modifications).